The following is an entry in ClinVar:

NM_001903.5(CTNNA1):c.15T>G (p.His5Gln)

Gene: CTNNA1 (catenin alpha 1; plus strand). Cytogenetic location: 5q31.2.
Variant type: single nucleotide variant.
Coding change: c.15T>G on transcript NM_001903.5 (MANE Select); coding-DNA position 15, T replaced by G.
Protein change: p.His5Gln; replaces histidine 5 with glutamine.
Molecular consequence: missense variant. On other transcripts: 5 prime UTR variant (2).
Genome position (GRCh38, 1-based): chr5:138,781,939, T>G. VCF-style: chr5-138781939-T-G. GRCh37 (hg19) VCF-style: chr5-138117628-T-G.
Other names: c.15T>G, p.His5Gln (NM_001290307.3, NM_001323982.2, NM_001323983.1 and 3 more transcripts); c.-99T>G (NM_001290309.3); c.-192T>G (NM_001290310.3); short protein forms H5Q.
Identifiers: ClinVar variation 4007997 (VCV004007997.1).

ClinVar aggregate classification (germline): Uncertain significance (1 of 4 stars; one submission).

Conditions:
Hereditary cancer-predisposing syndrome. Also called: Tumor predisposition; Hereditary neoplastic syndrome; Neoplastic Syndromes, Hereditary; Hereditary Cancer Syndrome. Identifiers: Orphanet 140162, MedGen C0027672, MeSH D009386, MONDO:0015356.

Submission:

Ambry Genetics
Classification: Uncertain significance for Hereditary cancer-predisposing syndrome. Last evaluated: 2025-05-29. Review status: criteria provided, single submitter. Criteria: Ambry Variant Classification Scheme 2023. Collection method: clinical testing. Allele origin: germline.
Comment: The p.H5Q variant (also known as c.15T>G), located in coding exon 1 of the CTNNA1 gene, results from a T to G substitution at nucleotide position 15. The histidine at codon 5 is replaced by glutamine, an amino acid with highly similar properties. This amino acid position is conserved. In addition, this alteration is predicted to be tolerated by in silico analysis. Based on the available evidence, the clinical significance of this variant remains unclear.